The following is an entry in ClinVar:

NM_006623.4(PHGDH):c.910G>A (p.Val304Met)

Gene: PHGDH (phosphoglycerate dehydrogenase; plus strand). Cytogenetic location: 1p12.
Variant type: single nucleotide variant.
Coding change: c.910G>A on transcript NM_006623.4 (MANE Select); coding-DNA position 910, G replaced by A.
Protein change: p.Val304Met; replaces valine 304 with methionine.
Molecular consequence: missense variant.
Genome position (GRCh38, 1-based): chr1:119,737,231, G>A. VCF-style: chr1-119737231-G-A. GRCh37 (hg19) VCF-style: chr1-120279854-G-A.
Other names: short protein forms V304M.
Identifiers: ClinVar variation 1029063 (VCV001029063.3), dbSNP rs149175408, ClinGen allele CA1037289.

ClinVar aggregate classification (germline): Uncertain significance. Review status: criteria provided, multiple submitters, no conflicts (2 of 4 stars). 4 submissions from 3 submitters: Uncertain significance (4). Last evaluated 2023-04-11.

Conditions:
Neu-Laxova syndrome 1 (NLS1). Identifiers: Orphanet 2671, Orphanet 583607, MedGen C4551478, MONDO:0009736, OMIM 256520. Disease mechanism: loss of function.
PHGDH deficiency. Identifiers: Orphanet 79351, MedGen C1866174, MONDO:0011152, OMIM 601815.

Allele frequency attached by ClinVar (database versions not stated): ExAC 0.00002; gnomAD 0.00007; TOPMed 0.00009; ESP Exome Variant Server 0.00015.
gnomAD v4.1: 85 of 1,614,048 alleles (0.0053%); highest among the groups gnomAD compares: Non-Finnish European, 0.0068%; no homozygotes.

Submissions (4):

Genome-Nilou Lab
Classification: Uncertain significance for Neu-Laxova syndrome 1. Last evaluated: 2023-04-11. Review status: criteria provided, single submitter. Criteria: ACMG Guidelines, 2015. Collection method: clinical testing. Allele origin: germline. Affected: no.

Genome-Nilou Lab
Classification: Uncertain significance for PHGDH deficiency. Last evaluated: 2023-04-11. Review status: criteria provided, single submitter. Criteria: ACMG Guidelines, 2015. Collection method: clinical testing. Allele origin: germline. Affected: no.

Labcorp Genetics (formerly Invitae), Labcorp
Classification: Uncertain significance for PHGDH deficiency. Last evaluated: 2022-04-16. Review status: criteria provided, single submitter. Criteria: Invitae Variant Classification Sherloc (09022015). Collection method: clinical testing. Allele origin: germline.
Comment: This sequence change replaces valine, which is neutral and non-polar, with methionine, which is neutral and non-polar, at codon 304 of the PHGDH protein (p.Val304Met). This variant is present in population databases (rs149175408, gnomAD 0.008%). This variant has not been reported in the literature in individuals affected with PHGDH-related conditions. ClinVar contains an entry for this variant (Variation ID: 1029063). Algorithms developed to predict the effect of missense changes on protein structure and function are either unavailable or do not agree on the potential impact of this missense change (SIFT: "Deleterious"; PolyPhen-2: "Possibly Damaging"; Align-GVGD: "Class C0"). In summary, the available evidence is currently insufficient to determine the role of this variant in disease. Therefore, it has been classified as a Variant of Uncertain Significance.

Baylor Genetics
Classification: Uncertain significance for Neu-Laxova syndrome 1. Last evaluated: 2020-02-04. Review status: criteria provided, single submitter. Criteria: ACMG Guidelines, 2015. Collection method: clinical testing. Allele origin: unknown. Affected: yes.
Comment: This variant was determined to be of uncertain significance according to ACMG Guidelines, 2015 [PMID:25741868].